The following is an entry in ClinVar:

ClinVar aggregate classification (germline): Likely pathogenic. Review status: criteria provided, multiple submitters, no conflicts (2 of 4 stars). 2 submissions from 2 submitters: Likely pathogenic (2). Last evaluated 2024-11-20.

Conditions:
Joubert syndrome and related disorders. Identifiers: Orphanet 140874, MedGen C5679612, MONDO:0015369.
Joubert syndrome 6 (JBTS6). Identifiers: Orphanet 475, MedGen C1853153, MONDO:0012539, OMIM 610688.

Allele frequency attached by ClinVar (database versions not stated): gnomAD exomes below 0.00001.

Submissions (2):

Women's Health and Genetics/Laboratory Corporation of America, LabCorp
Classification: Likely pathogenic for Joubert syndrome and related disorders. Last evaluated: 2024-11-20. Review status: criteria provided, single submitter. Criteria: LabCorp Variant Classification Summary - May 2015. Collection method: clinical testing. Allele origin: germline.
Comment: Variant summary: TMEM67 c.2322+5delG alters a conserved nucleotide located close to a canonical splice site and therefore could affect mRNA splicing, leading to a significantly altered protein sequence. Several computational tools predict a significant impact on normal splicing: Four predict the variant abolishes a 5' splicing donor site. At least one publication reports experimental evidence that this variant affects mRNA splicing, resulting in the skipping of exon 22 (Tsurusaki_2013). The variant allele was found at a frequency of 4e-06 in 251096 control chromosomes. c.2322+5delG has been reported in the literature in individuals affected with Joubert Syndrome And Related Disorders (e.g. Tsurusaki_2013, Bachmann-Gagescu_JMG_2015). The following publications have been ascertained in the context of this evaluation (PMID: 26092869, 23034536). ClinVar contains an entry for this variant (Variation ID: 217731). Based on the evidence outlined above, the variant was classified as likely pathogenic.

UW Hindbrain Malformation Research Program, University of Washington
Classification: Likely pathogenic for Joubert syndrome 6. Last evaluated: 2015-02-23. Review status: criteria provided, single submitter. Criteria: Bachmann-Gagescu et al. (J Med Genet. 2015). Collection method: research. Allele origin: unknown. Affected: yes.

Literature cited by the submitters: PubMed 26092869 (cited by Women's Health and Genetics/Laboratory Corporation of America, LabCorp); PubMed 23034536 (cited by Women's Health and Genetics/Laboratory Corporation of America, LabCorp).

NM_153704.6(TMEM67):c.2322+5del

Gene: TMEM67 (transmembrane protein 67; plus strand). Cytogenetic location: 8q22.1.
Variant type: Deletion.
Coding change: c.2322+5del on transcript NM_153704.6 (MANE Select); 5 bases into the intron after coding-DNA position 2322, one base deleted (G; older notation c.2322+5delG).
Molecular consequence: intron variant.
Genome position (GRCh38, 1-based): chr8:93,803,689, G deleted. VCF-style (leftmost placement, unchanged base first): chr8-93803688-AG-A. GRCh37 (hg19) VCF-style: chr8-94815916-AG-A.
Other names: c.2322+5delG (NM_153704.5, NM_153704.6); c.2079+5del (NM_001142301.1).
Identifiers: ClinVar variation 217731 (VCV000217731.2), dbSNP rs863225240, ClinGen allele CA279427.
Genomic context (GRCh38, chr8:93,803,688, plus strand): 5'-GAGAGATTTATAGAAGATAAAATTCGACAGTTCGTTGATTTATGCTCTATGAGTAATGTA[AG>A]TACTTTCTGACTTCATCTTGCAACTGTTACTTTCCCTTTTTAAAGGTCATGAGTTTGTTA-3'